The following is an entry in ClinVar:

NM_001371986.1(UNC80):c.6165C>T (p.Thr2055=)

Gene: UNC80 (unc-80 subunit of NALCN channel complex; plus strand). Cytogenetic location: 2q34.
Variant type: single nucleotide variant.
Coding change: c.6165C>T on transcript NM_001371986.1 (MANE Select); coding-DNA position 6165, C replaced by T.
Protein change: p.Thr2055=; no amino-acid change (threonine 2055 retained).
Molecular consequence: synonymous variant.
Genome position (GRCh38, 1-based): chr2:209,933,992, C>T. VCF-style: chr2-209933992-C-T. GRCh37 (hg19) VCF-style: chr2-210798716-C-T.
Other names: c.5967C>T, p.Thr1989= (NM_032504.2); c.5952C>T, p.Thr1984= (NM_182587.4).
Identifiers: ClinVar variation 730255 (VCV000730255.13), dbSNP rs76521176, ClinGen allele CA2083347.
Genomic context (GRCh38, chr2:209,933,992, plus strand): 5'-CTTCAAGGATCTCAAGCAGACGATGAAGAAGGAGCAGTGTGAGGTGAAGCTCCTGGTGAC[C>T]GCTTCAATGCCAGGTAAGCCACTACTACTTTTTAGTAACATAACTTTAAAAAAAAATTAT-3'
Protein context (NP_001358915.1, residues 2045-2065): KEQCEVKLLV[Thr2055=]ASMPGTKTLV

ClinVar aggregate classification (germline): Benign/Likely benign. Review status: criteria provided, multiple submitters, no conflicts (2 of 4 stars). 3 submissions from 3 submitters: Benign (1); Likely benign (1). 1 of the submissions does not count toward it. Last evaluated 2026-01-18.

Conditions:
UNC80-related disorder. Also called: UNC80-related condition.

Allele frequency attached by ClinVar (database versions not stated): TOPMed 0.00055; gnomAD 0.00064; ESP Exome Variant Server 0.00066; 1000 Genomes Project 0.00080; 1000 Genomes Project 30x 0.00094; ExAC 0.00099.
gnomAD v4.1: 890 of 1,543,720 alleles (0.058%); highest among the groups gnomAD compares: Middle Eastern, 0.22%; 3 homozygotes.

Submissions (3):

Labcorp Genetics (formerly Invitae), Labcorp
Classification: Benign. Last evaluated: 2026-01-18. Review status: criteria provided, single submitter. Criteria: Invitae Variant Classification Sherloc (09022015). Collection method: clinical testing. Allele origin: germline.

Blueprint Genetics
Classification: Likely benign. Last evaluated: 2024-11-25. Review status: criteria provided, single submitter. Criteria: ACMG Guidelines, 2015. Collection method: clinical testing. Allele origin: germline.

PreventionGenetics, part of Exact Sciences
Classification: Likely benign for UNC80-related condition. Last evaluated: 2019-06-06. Review status: no assertion criteria provided. Collection method: clinical testing. Allele origin: germline. Not counted in ClinVar's aggregate classification.
Comment: This variant is classified as likely benign based on ACMG/AMP sequence variant interpretation guidelines (Richards et al. 2015 PMID: 25741868, with internal and published modifications).